The following is an entry in ClinVar:

NM_016341.4(PLCE1):c.3103G>A (p.Gly1035Arg)

Gene: PLCE1 (phospholipase C epsilon 1; plus strand). Cytogenetic location: 10q23.33.
Variant type: single nucleotide variant.
Coding change: c.3103G>A on transcript NM_016341.4 (MANE Select); coding-DNA position 3103, G replaced by A.
Protein change: p.Gly1035Arg; replaces glycine 1035 with arginine.
Molecular consequence: missense variant.
Genome position (GRCh38, 1-based): chr10:94,252,322, G>A. VCF-style: chr10-94252322-G-A. GRCh37 (hg19) VCF-style: chr10-96012079-G-A.
Other names: c.2179G>A, p.Gly727Arg (NM_001165979.2); c.3103G>A, p.Gly1035Arg (NM_001288989.2); short protein forms G1035R, G727R.
Identifiers: ClinVar variation 3392781 (VCV003392781.1).

ClinVar aggregate classification (germline): Uncertain significance (1 of 4 stars; one submission).

Submission:

GeneDx
Classification: Uncertain significance. Last evaluated: 2024-06-26. Review status: criteria provided, single submitter. Criteria: GeneDx Variant Classification Process June 2021. Collection method: clinical testing. Allele origin: germline. Affected: yes.
Comment: Not observed at significant frequency in large population cohorts (gnomAD); In silico analysis supports that this missense variant has a deleterious effect on protein structure/function; Has not been previously published as pathogenic or benign to our knowledge